The following is an entry in ClinVar:

ClinVar aggregate classification (germline): Uncertain significance (1 of 4 stars; one submission).

Conditions:
Neuromuscular disease caused by qualitative or quantitative defects of dysferlin. Also called: Qualitative or quantitative defects of dysferlin; Dysferlinopathy. Identifiers: Orphanet 207073, MedGen C2931687, MONDO:0016145.

Allele frequency attached by ClinVar (database versions not stated): ExAC 0.00001; TOPMed 0.00001.

Submission:

Labcorp Genetics (formerly Invitae), Labcorp
Classification: Uncertain significance for Neuromuscular disease caused by qualitative or quantitative defects of dysferlin. Last evaluated: 2022-08-12. Review status: criteria provided, single submitter. Criteria: Invitae Variant Classification Sherloc (09022015). Collection method: clinical testing. Allele origin: germline.
Comment: This sequence change replaces valine, which is neutral and non-polar, with methionine, which is neutral and non-polar, at codon 932 of the DYSF protein (p.Val932Met). This variant is present in population databases (rs774307376, gnomAD 0.002%). This variant has not been reported in the literature in individuals affected with DYSF-related conditions. Advanced modeling of protein sequence and biophysical properties (such as structural, functional, and spatial information, amino acid conservation, physicochemical variation, residue mobility, and thermodynamic stability) performed at Invitae indicates that this missense variant is not expected to disrupt DYSF protein function. Algorithms developed to predict the effect of sequence changes on RNA splicing suggest that this variant may disrupt the consensus splice site. In summary, the available evidence is currently insufficient to determine the role of this variant in disease. Therefore, it has been classified as a Variant of Uncertain Significance.

NM_001130987.2(DYSF):c.2848G>A (p.Val950Met)

Gene: DYSF (dysferlin; plus strand). Cytogenetic location: 2p13.2.
Variant type: single nucleotide variant.
Coding change: c.2848G>A on transcript NM_001130987.2 (MANE Select); coding-DNA position 2848, G replaced by A.
Protein change: p.Val950Met; replaces valine 950 with methionine.
Molecular consequence: missense variant.
Genome position (GRCh38, 1-based): chr2:71,568,322, G>A. VCF-style: chr2-71568322-G-A. GRCh37 (hg19) VCF-style: chr2-71795452-G-A.
Other names: c.2797G>A, p.Val933Met (NM_001130455.2, NM_001130983.2); c.2752G>A, p.Val918Met (NM_001130976.2, NM_001130977.2); c.2794G>A, p.Val932Met (NM_001130978.2, NM_003494.4); c.2887G>A, p.Val963Met (NM_001130979.2); c.2845G>A, p.Val949Met (NM_001130980.2, NM_001130981.2); c.2890G>A, p.Val964Met (NM_001130982.2); c.2755G>A, p.Val919Met (NM_001130984.2, NM_001130986.2); c.2848G>A, p.Val950Met (NM_001130985.2); short protein forms V918M, V933M, V963M, V919M, V964M, V932M, V949M, V950M.
Identifiers: ClinVar variation 1991644 (VCV001991644.1), dbSNP rs774307376, ClinGen allele CA1706295.